The following is an entry in ClinVar:

NM_000090.4(COL3A1):c.3402A>G (p.Gly1134=)

Gene: COL3A1 (collagen type III alpha 1 chain; plus strand). Cytogenetic location: 2q32.2.
Variant type: single nucleotide variant.
Coding change: c.3402A>G on transcript NM_000090.4 (MANE Select); coding-DNA position 3402, A replaced by G.
Protein change: p.Gly1134=; no amino-acid change (glycine 1134 retained).
Molecular consequence: synonymous variant.
Genome position (GRCh38, 1-based): chr2:189,007,923, A>G. VCF-style: chr2-189007923-A-G. GRCh37 (hg19) VCF-style: chr2-189872649-A-G.
Identifiers: ClinVar variation 669283 (VCV000669283.1), dbSNP rs1299281646, ClinGen allele CA430313531.

ClinVar aggregate classification (germline): Likely benign (1 of 4 stars; one submission).

Submission:

GeneDx
Classification: Likely benign. Last evaluated: 2018-06-10. Review status: criteria provided, single submitter. Criteria: GeneDx Variant Classification (06012015). Collection method: clinical testing. Allele origin: germline. Affected: yes.
Comment: This variant is considered likely benign or benign based on one or more of the following criteria: it is a conservative change, it occurs at a poorly conserved position in the protein, it is predicted to be benign by multiple in silico algorithms, and/or has population frequency not consistent with disease.